The following is an entry in ClinVar:

ClinVar aggregate classification (germline): Likely pathogenic (1 of 4 stars; one submission).

Conditions:
Hereditary cancer-predisposing syndrome. Also called: Hereditary Cancer Syndrome; Hereditary neoplastic syndrome; Neoplastic Syndromes, Hereditary; Tumor predisposition. Identifiers: Orphanet 140162, MedGen C0027672, MeSH D009386, MONDO:0015356.

Submission:

Hereditary Cancer Laboratory, Hospital Universitario 12 de Octubre
Classification: Likely pathogenic for Hereditary cancer-predisposing syndrome. Last evaluated: 2024-02-18. Review status: criteria provided, single submitter. Criteria: ACMG Guidelines, 2015. Collection method: clinical testing. Allele origin: germline.
Comment: PVS1+PM2

NM_000455.5(STK11):c.121A>T (p.Lys41Ter)

Gene: STK11 (serine/threonine kinase 11; plus strand). Cytogenetic location: 19p13.3.
Variant type: single nucleotide variant.
Coding change: c.121A>T on transcript NM_000455.5 (MANE Select); coding-DNA position 121, A replaced by T.
Protein change: p.Lys41Ter; replaces lysine 41 with a stop codon.
Molecular consequence: nonsense. On other transcripts: non-coding transcript variant (1).
Genome position (GRCh38, 1-based): chr19:1,207,034, A>T. VCF-style: chr19-1207034-A-T. GRCh37 (hg19) VCF-style: chr19-1207033-A-T.
Other names: c.121A>T, p.Lys41Ter (NM_001407255.1); short protein forms K41*.
Identifiers: ClinVar variation 3906157 (VCV003906157.1).